The following is an entry in ClinVar:

NM_139076.3(ABRAXAS1):c.865C>T (p.Pro289Ser)

Gene: ABRAXAS1 (abraxas 1, BRCA1 A complex subunit; minus strand). Cytogenetic location: 4q21.23.
Variant type: single nucleotide variant.
Coding change: c.865C>T on transcript NM_139076.3 (MANE Select); coding-DNA position 865, C replaced by T.
Protein change: p.Pro289Ser; replaces proline 289 with serine.
Molecular consequence: missense variant.
Genome position (GRCh38, 1-based): chr4:83,462,834, G>A on the plus strand (C>T on the coding strand, the complement: ABRAXAS1 is on the minus strand). VCF-style: chr4-83462834-G-A. GRCh37 (hg19) VCF-style: chr4-84383987-G-A.
Other names: c.538C>T, p.Pro180Ser (NM_001345962.2); short protein forms P180S, P289S.
Identifiers: ClinVar variation 3444100 (VCV003444100.1).

ClinVar aggregate classification (germline): Uncertain significance (1 of 4 stars; one submission).

gnomAD v4.1: 1 of 1,608,870 alleles (0.000062%); highest among the groups gnomAD compares: East Asian, 0.0022%; no homozygotes.

Submission:

Ambry Genetics
Classification: Uncertain significance. Last evaluated: 2024-09-01. Review status: criteria provided, single submitter. Criteria: Ambry Variant Classification Scheme 2023. Collection method: clinical testing. Allele origin: germline.
Comment: The p.P289S variant (also known as c.865C>T), located in coding exon 9 of the FAM175A gene, results from a C to T substitution at nucleotide position 865. The proline at codon 289 is replaced by serine, an amino acid with similar properties. This amino acid position is conserved. In addition, the in silico prediction for this alteration is inconclusive. Based on the available evidence, the clinical significance of this variant remains unclear.